The following is an entry in ClinVar:

ClinVar aggregate classification (germline): Benign/Likely benign. Review status: criteria provided, multiple submitters, no conflicts (2 of 4 stars). 3 submissions from 3 submitters: Benign (1); Likely benign (2). Last evaluated 2026-09-09.

Conditions:
Familial cancer of breast. Also called: Hereditary breast cancer; hereditary breast carcinoma; BREAST CANCER, FAMILIAL. Identifiers: Orphanet 227535, MedGen C0346153, MONDO:0016419, OMIM 114480. Disease mechanism: loss of function.
Ataxia-telangiectasia syndrome (AT). Also called: Ataxia-telangiectasia, complementation group D; ATAXIA-TELANGIECTASIA, COMPLEMENTATION GROUP A; ATAXIA-TELANGIECTASIA, FRESNO VARIANT; Ataxia-telangiectasia; Ataxia telangiectasia (A-T); AT, COMPLEMENTATION GROUP C. Identifiers: Orphanet 100, MedGen C0004135, MONDO:0008840, OMIM 208900.
Hereditary cancer-predisposing syndrome. Also called: Neoplastic Syndromes, Hereditary; Tumor predisposition; Hereditary Cancer Syndrome; Hereditary neoplastic syndrome. Identifiers: Orphanet 140162, MedGen C0027672, MeSH D009386, MONDO:0015356.

Allele frequency attached by ClinVar (database versions not stated): gnomAD exomes 0.00001; ExAC 0.00002.
gnomAD v4.1: 3 of 1,613,992 alleles (0.00019%); highest among the groups gnomAD compares: Admixed American, 0.005%; no homozygotes.

Submissions (3):

Ambry Genetics
Classification: Likely benign for Hereditary cancer-predisposing syndrome. Last evaluated: 2026-09-09. Review status: criteria provided, single submitter. Criteria: Ambry Variant Classification Scheme 2023. Collection method: clinical testing. Allele origin: germline.

Myriad Genetics, Inc.
Classification: Benign for Familial cancer of breast. Last evaluated: 2024-04-25. Review status: criteria provided, single submitter. Criteria: Myriad Autosomal Dominant, Autosomal Recessive and X-Linked Classification Criteria (2023). Collection method: clinical testing. Allele origin: unknown.
Comment: This variant is considered benign. This variant is a silent/synonymous amino acid change and it is not expected to impact splicing.

Labcorp Genetics (formerly Invitae), Labcorp
Classification: Likely benign for Ataxia-telangiectasia syndrome. Last evaluated: 2023-03-31. Review status: criteria provided, single submitter. Criteria: Invitae Variant Classification Sherloc (09022015). Collection method: clinical testing. Allele origin: germline.

NM_000051.4(ATM):c.1206G>A (p.Lys402=)

Gene: ATM (ATM serine/threonine kinase; plus strand). Cytogenetic location: 11q22.3.
Variant type: single nucleotide variant.
Coding change: c.1206G>A on transcript NM_000051.4 (MANE Select); coding-DNA position 1206, G replaced by A.
Protein change: p.Lys402=; no amino-acid change (lysine 402 retained).
Molecular consequence: synonymous variant.
Genome position (GRCh38, 1-based): chr11:108,249,073, G>A. VCF-style: chr11-108249073-G-A. GRCh37 (hg19) VCF-style: chr11-108119800-G-A.
Other names: c.1206G>A, p.Lys402= (NM_001351834.2).
Identifiers: ClinVar variation 1095054 (VCV001095054.13), dbSNP rs776001057, ClinGen allele CA6264773.
Genomic context (GRCh38, chr11:108,249,073, plus strand): 5'-CCCTTGCAAAAGGAAGAAAATAGAACTAGGCTGGGAAGTAATAAAAGATCACCTTCAGAA[G>A]TCACAGAATGATTTTGATCTTGTGCCTTGGTAAAGTGTTACCATTTTCTCATTCAGTGTC-3'
Protein context (NP_000042.3, residues 392-412): GWEVIKDHLQ[Lys402=]SQNDFDLVPW